The following is an entry in ClinVar:

ClinVar aggregate classification (germline): Uncertain significance. Review status: criteria provided, multiple submitters, no conflicts (2 of 4 stars). 2 submissions from 2 submitters: Uncertain significance (2). Last evaluated 2023-12-04.

Conditions:
Hereditary cancer-predisposing syndrome. Also called: Neoplastic Syndromes, Hereditary; Tumor predisposition; Hereditary Cancer Syndrome; Hereditary neoplastic syndrome. Identifiers: Orphanet 140162, MedGen C0027672, MeSH D009386, MONDO:0015356.

Submissions (2):

Color Diagnostics, LLC DBA Color Health
Classification: Uncertain significance for Hereditary cancer-predisposing syndrome. Last evaluated: 2023-12-04. Review status: criteria provided, single submitter. Criteria: ACMG Guidelines, 2015. Collection method: clinical testing. Allele origin: germline.
Comment: This missense variant replaces valine with leucine at codon 1479 of the APC protein. Computational prediction suggests that this variant may not impact protein structure and function (internally defined REVEL score threshold <= 0.5, PMID: 27666373). To our knowledge, functional studies have not been reported for this variant. This variant has not been reported in individuals affected with APC-related disorders in the literature. This variant has not been identified in the general population by the Genome Aggregation Database (gnomAD). The available evidence is insufficient to determine the role of this variant in disease conclusively. Therefore, this variant is classified as a Variant of Uncertain Significance.

Mendelics
Classification: Uncertain significance. Last evaluated: 2022-05-04. Review status: criteria provided, single submitter. Criteria: Mendelics Assertion Criteria 2019. Collection method: clinical testing. Allele origin: germline.

NM_000038.6(APC):c.4435G>C (p.Val1479Leu)

Gene: APC (APC regulator of Wnt signaling pathway; plus strand). Cytogenetic location: 5q22.2.
Variant type: single nucleotide variant.
Coding change: c.4435G>C on transcript NM_000038.6 (MANE Select); coding-DNA position 4435, G replaced by C.
Protein change: p.Val1479Leu; replaces valine 1479 with leucine.
Molecular consequence: missense variant.
Genome position (GRCh38, 1-based): chr5:112,840,029, G>C. VCF-style: chr5-112840029-G-C. GRCh37 (hg19) VCF-style: chr5-112175726-G-C.
Other names: c.4435G>C, p.Val1479Leu (NM_001127510.3, NM_001354895.2); c.4381G>C, p.Val1461Leu (NM_001127511.3); c.4489G>C, p.Val1497Leu (NM_001354896.2); c.4465G>C, p.Val1489Leu (NM_001354897.2); c.4360G>C, p.Val1454Leu (NM_001354898.2); c.4351G>C, p.Val1451Leu (NM_001354899.2); c.4312G>C, p.Val1438Leu (NM_001354900.2); c.4258G>C, p.Val1420Leu (NM_001354901.2); and 5 more; short protein forms V1461L, V1353L, V1451L, V1454L, V1196L, V1378L, V1388L, V1420L.
Identifiers: ClinVar variation 921466 (VCV000921466.5), dbSNP rs1060503271, ClinGen allele CA16031041.
Genomic context (GRCh38, chr5:112,840,029, plus strand): 5'-ACTGCTGAAAAGAGAGAGAGTGGACCTAAGCAAGCTGCAGTAAATGCTGCAGTTCAGAGG[G>C]TCCAGGTTCTTCCAGATGCTGATACTTTATTACATTTTGCCACGGAAAGTACTCCAGATG-3'
Protein context (NP_000029.2, residues 1469-1489): QAAVNAAVQR[Val1479Leu]QVLPDADTLL